The following is an entry in ClinVar:

NM_001375524.1(TRRAP):c.9277G>A (p.Glu3093Lys)

Gene: TRRAP (transformation/transcription domain associated protein; plus strand). Cytogenetic location: 7q22.1.
Variant type: single nucleotide variant.
Coding change: c.9277G>A on transcript NM_001375524.1 (MANE Select); coding-DNA position 9277, G replaced by A.
Protein change: p.Glu3093Lys; replaces glutamic acid 3093 with lysine.
Molecular consequence: missense variant.
Genome position (GRCh38, 1-based): chr7:98,984,347, G>A. VCF-style: chr7-98984347-G-A. GRCh37 (hg19) VCF-style: chr7-98581970-G-A.
Other names: c.9289G>A, p.Glu3097Lys (NM_001244580.2); c.9202G>A, p.Glu3068Lys (NM_003496.4); short protein forms E3068K, E3093K, E3097K.
Identifiers: ClinVar variation 2502358 (VCV002502358.1), dbSNP rs2484977717, ClinGen allele CA368317675.
Genomic context (GRCh38, chr7:98,984,347, plus strand): 5'-CAGAAGATTCGACAGCAAGTTAAATGCTACCTCCAGCTGGCAGGCGTCATGGGCAAAAAC[G>A]AGTGCATGCAGGTGCGGACAGGACACTTGAAGAATGAGGCCAGGTGGAGATTGAGGCCAG-3'
Protein context (NP_001362453.1, residues 3083-3103): LQLAGVMGKN[Glu3093Lys]CMQGLEVIES

ClinVar aggregate classification (germline): Uncertain significance (1 of 4 stars; one submission).

Conditions:
Developmental delay with or without dysmorphic facies and autism. Identifiers: MedGen C5193106, MONDO:0032760, OMIM 618454.

gnomAD v4.1: 1 of 1,585,558 alleles (0.000063%); highest among the groups gnomAD compares: Non-Finnish European, 0.000086%; no homozygotes.

Submission:

Institute of Human Genetics, University of Leipzig Medical Center
Classification: Uncertain significance for Developmental delay with or without dysmorphic facies and autism. Last evaluated: 2023-04-06. Review status: criteria provided, single submitter. Criteria: ACMG Guidelines, 2015. Collection method: clinical testing. Allele origin: unknown. Affected: yes.
Comment: _x000D_ Criteria applied: PM2_SUP, PP2, PP3